The following is an entry in ClinVar:

NM_198253.3(TERT):c.2346G>C (p.Glu782Asp)

Gene: TERT (telomerase reverse transcriptase; minus strand). Cytogenetic location: 5p15.33.
Variant type: single nucleotide variant.
Coding change: c.2346G>C on transcript NM_198253.3 (MANE Select); coding-DNA position 2346, G replaced by C.
Protein change: p.Glu782Asp; replaces glutamic acid 782 with aspartic acid.
Molecular consequence: missense variant.
Genome position (GRCh38, 1-based): chr5:1,272,221, C>G on the plus strand (G>C on the coding strand, the complement: TERT is on the minus strand). VCF-style: chr5-1272221-C-G. GRCh37 (hg19) VCF-style: chr5-1272336-C-G.
Other names: c.2346G>C, p.Glu782Asp (NM_001193376.3, NM_003219.1); short protein forms E782D.
Identifiers: ClinVar variation 2936748 (VCV002936748.4), dbSNP rs750815238, ClinGen allele CA359076304.

ClinVar aggregate classification (germline): Uncertain significance. Review status: criteria provided, multiple submitters, no conflicts (2 of 4 stars). 2 submissions from 2 submitters: Uncertain significance (2). Last evaluated 2025-08-08.

Conditions:
Dyskeratosis congenita, autosomal dominant 2. Identifiers: MedGen C3151443, MONDO:0013521, OMIM 613989.
Idiopathic Pulmonary Fibrosis. Also called: Idiopathic fibrosing alveolitis, chronic form; idiopathic fibrosing alveolitis. Identifiers: Orphanet 2032, MedGen C1800706, MeSH D054990, MONDO:0800504.
Dyskeratosis congenita. Identifiers: Orphanet 1775, MedGen C0265965, MONDO:0015780.

gnomAD v4.1: 1 of 1,612,844 alleles (0.000062%); highest among the groups gnomAD compares: Non-Finnish European, 0.000085%; no homozygotes.

Submissions (2):

Ambry Genetics
Classification: Uncertain significance for Dyskeratosis congenita. Last evaluated: 2025-08-08. Review status: criteria provided, single submitter. Criteria: Ambry Variant Classification Scheme 2023. Collection method: clinical testing. Allele origin: germline.
Comment: The p.E782D variant (also known as c.2346G>C), located in coding exon 7 of the TERT gene, results from a G to C substitution at nucleotide position 2346. The glutamic acid at codon 782 is replaced by aspartic acid, an amino acid with highly similar properties. This amino acid position is conserved. In addition, this alteration is predicted to be tolerated by in silico analysis. Based on the available evidence, the clinical significance of this variant remains unclear.

Labcorp Genetics (formerly Invitae), Labcorp
Classification: Uncertain significance for Dyskeratosis congenita, autosomal dominant 2; Idiopathic Pulmonary Fibrosis. Last evaluated: 2023-05-08. Review status: criteria provided, single submitter. Criteria: Invitae Variant Classification Sherloc (09022015). Collection method: clinical testing. Allele origin: germline.
Comment: In summary, the available evidence is currently insufficient to determine the role of this variant in disease. Therefore, it has been classified as a Variant of Uncertain Significance. Advanced modeling of protein sequence and biophysical properties (such as structural, functional, and spatial information, amino acid conservation, physicochemical variation, residue mobility, and thermodynamic stability) performed at Invitae indicates that this missense variant is not expected to disrupt TERT protein function. This variant has not been reported in the literature in individuals affected with TERT-related conditions. This variant is not present in population databases (gnomAD no frequency). This sequence change replaces glutamic acid, which is acidic and polar, with aspartic acid, which is acidic and polar, at codon 782 of the TERT protein (p.Glu782Asp).